The following is an entry in ClinVar:

ClinVar aggregate classification (germline): Uncertain significance (1 of 4 stars; one submission).

Submission:

CeGaT Center for Human Genetics Tuebingen
Classification: Uncertain significance. Last evaluated: 2026-08-01. Review status: criteria provided, single submitter. Criteria: CeGaT Center For Human Genetics Tuebingen Variant Classification Criteria Version 2. Collection method: clinical testing. Allele origin: germline. Affected: yes. Observed: 1 variant allele.
Comment: ADGRL1: PM2

NM_014921.5(ADGRL1):c.3855C>A (p.His1285Gln)

Genes: ADGRL1 (adhesion G protein-coupled receptor L1; minus strand), ADGRL1-AS1 (ADGRL1 antisense RNA 1; plus strand). Cytogenetic location: 19p13.12.
Variant type: single nucleotide variant.
Coding change: c.3855C>A on transcript NM_014921.5 (MANE Select); coding-DNA position 3855, C replaced by A.
Protein change: p.His1285Gln; replaces histidine 1285 with glutamine.
Molecular consequence: missense variant.
Genome position (GRCh38, 1-based): chr19:14,151,428, G>T on the plus strand (C>A on the coding strand, the complement: ADGRL1 is on the minus strand). VCF-style: chr19-14151428-G-T. GRCh37 (hg19) VCF-style: chr19-14262240-G-T.
Other names: c.3870C>A, p.His1290Gln (NM_001008701.3); short protein forms H1285Q, H1290Q.
Identifiers: ClinVar variation 5040444 (VCV005040444.1).
Genomic context (GRCh38, chr19:14,151,428, plus strand): 5'-CACAGGGGGCTCAGGCGGTGGAGGGCCCTTGGCCGCGCTGCTGCTCCCCCGCAGGTTGTT[G>T]TGCACCAGCTCTGAGATGATCATCTTCTCAAAGGCCGCCGCATCGGCTAGGTTCCGGCCT-3'
Protein context (NP_055736.2, residues 1275-1295): FEKMIISELV[His1285Gln]NNLRGSSSAA